The following is an entry in ClinVar:

ClinVar aggregate classification (germline): Uncertain significance (1 of 4 stars; one submission).

Conditions:
Inborn genetic diseases. Identifiers: MedGen C0950123, MeSH D030342.

Allele frequency attached by ClinVar (database versions not stated): ExAC 0.00001; gnomAD 0.00001; gnomAD exomes 0.00001; TOPMed 0.00004; ESP Exome Variant Server 0.00008.
gnomAD v4.1: 6 of 1,613,518 alleles (0.00037%); highest among the groups gnomAD compares: Non-Finnish European, 0.00042%; no homozygotes.

Submission:

Ambry Genetics
Classification: Uncertain significance for Inborn genetic diseases. Last evaluated: 2021-07-19. Review status: criteria provided, single submitter. Criteria: Ambry Variant Classification Scheme 2023. Collection method: clinical testing. Allele origin: germline.
Comment: The p.A225V variant (also known as c.674C>T), located in coding exon 7 of the MDH2 gene, results from a C to T substitution at nucleotide position 674. The alanine at codon 225 is replaced by valine, an amino acid with similar properties. This amino acid position is conserved. In addition, this alteration is predicted to be tolerated by in silico analysis. Since supporting evidence is limited at this time, the clinical significance of this alteration remains unclear.

NM_005918.4(MDH2):c.674C>T (p.Ala225Val)

Gene: MDH2 (malate dehydrogenase 2; plus strand). Cytogenetic location: 7q11.23.
Variant type: single nucleotide variant.
Coding change: c.674C>T on transcript NM_005918.4 (MANE Select); coding-DNA position 674, C replaced by T.
Protein change: p.Ala225Val; replaces alanine 225 with valine.
Molecular consequence: missense variant.
Genome position (GRCh38, 1-based): chr7:76,064,379, C>T. VCF-style: chr7-76064379-C-T. GRCh37 (hg19) VCF-style: chr7-75693697-C-T.
Other names: c.548C>T, p.Ala183Val (NM_001282403.2); c.353C>T, p.Ala118Val (NM_001282404.2); short protein forms A118V, A183V, A225V.
Identifiers: ClinVar variation 1755226 (VCV001755226.2), dbSNP rs370450077, ClinGen allele CA4305651.